The following is an entry in ClinVar:

NM_000492.4(CFTR):c.2192C>T (p.Pro731Leu)

Gene: CFTR (CF transmembrane conductance regulator; plus strand). Cytogenetic location: 7q31.2.
Variant type: single nucleotide variant.
Coding change: c.2192C>T on transcript NM_000492.4 (MANE Select); coding-DNA position 2192, C replaced by T.
Protein change: p.Pro731Leu; replaces proline 731 with leucine.
Molecular consequence: missense variant.
Genome position (GRCh38, 1-based): chr7:117,592,359, C>T. VCF-style: chr7-117592359-C-T. GRCh37 (hg19) VCF-style: chr7-117232413-C-T.
Other names: short protein forms P731L.
Identifiers: ClinVar variation 1787441 (VCV001787441.6), dbSNP rs748634753, ClinGen allele CA4451152.

ClinVar aggregate classification (germline): Uncertain significance. Review status: criteria provided, multiple submitters, no conflicts (2 of 4 stars). 2 submissions from 2 submitters: Uncertain significance (2). Last evaluated 2025-01-03.

Conditions:
Cystic fibrosis (CF). Also called: MUCOVISCIDOSIS. Identifiers: Orphanet 586, MedGen C0010674, MONDO:0009061, OMIM 219700. Disease mechanism: loss of function.

Allele frequency attached by ClinVar (database versions not stated): ExAC 0.00010; TOPMed 0.00001; gnomAD 0.00001; gnomAD exomes 0.00004.
gnomAD v4.1: 27 of 1,614,150 alleles (0.0017%); highest among the groups gnomAD compares: Non-Finnish European, 0.0019%; no homozygotes.

Submissions (2):

Ambry Genetics
Classification: Uncertain significance for Cystic fibrosis. Last evaluated: 2025-01-03. Review status: criteria provided, single submitter. Criteria: Ambry Variant Classification Scheme 2023. Collection method: clinical testing. Allele origin: germline.
Comment: The p.P731L variant (also known as c.2192C>T), located in coding exon 14 of the CFTR gene, results from a C to T substitution at nucleotide position 2192. The proline at codon 731 is replaced by leucine, an amino acid with similar properties. This variant was described in conjunction with p.F508del in a newborn with a positive newborn screen who failed to meet clinical criteria for cystic fibrosis; however, the phase was not provided and follow-up data was not available (Sobczyska-Tomaszewska A et al. Eur. J. Hum. Genet., 2013 Apr;21:391-6). This amino acid position is not well conserved in available vertebrate species. In addition, the in silico prediction for this alteration is inconclusive. Since supporting evidence is limited at this time, the clinical significance of this alteration remains unclear.

Labcorp Genetics (formerly Invitae), Labcorp
Classification: Uncertain significance for Cystic fibrosis. Last evaluated: 2024-10-10. Review status: criteria provided, single submitter. Criteria: Invitae Variant Classification Sherloc (09022015). Collection method: clinical testing. Allele origin: germline.
Comment: This sequence change replaces proline, which is neutral and non-polar, with leucine, which is neutral and non-polar, at codon 731 of the CFTR protein (p.Pro731Leu). This variant is present in population databases (rs748634753, gnomAD 0.009%). This variant has not been reported in the literature in individuals affected with CFTR-related conditions. ClinVar contains an entry for this variant (Variation ID: 1787441). Invitae Evidence Modeling of protein sequence and biophysical properties (such as structural, functional, and spatial information, amino acid conservation, physicochemical variation, residue mobility, and thermodynamic stability) indicates that this missense variant is not expected to disrupt CFTR protein function with a negative predictive value of 80%. In summary, the available evidence is currently insufficient to determine the role of this variant in disease. Therefore, it has been classified as a Variant of Uncertain Significance.

Literature cited by the submitters: PubMed 22892530 (cited by Ambry Genetics).